The following is an entry in ClinVar:

ClinVar aggregate classification (germline): Conflicting classifications of pathogenicity. Review status: criteria provided, conflicting classifications (1 of 4 stars). 3 submissions from 3 submitters: Uncertain significance (1); Likely benign (2). Last evaluated 2024-10-01.

Conditions:
KBG syndrome (KBGS). Also called: ANKRD11-Related KBG Syndrome. Identifiers: Orphanet 2332, MedGen C0220687, MONDO:0007846, OMIM 148050.
Inborn genetic diseases. Identifiers: MedGen C0950123, MeSH D030342.

Allele frequency attached by ClinVar (database versions not stated): ExAC 0.00001; gnomAD 0.00001; TOPMed 0.00001; gnomAD exomes 0.00005.
gnomAD v4.1: 75 of 1,612,792 alleles (0.0047%); highest among the groups gnomAD compares: Non-Finnish European, 0.0063%; no homozygotes.

Submissions (3):

CeGaT Center for Human Genetics Tuebingen
Classification: Likely benign. Last evaluated: 2024-10-01. Review status: criteria provided, single submitter. Criteria: CeGaT Center For Human Genetics Tuebingen Variant Classification Criteria Version 2. Collection method: clinical testing. Allele origin: germline. Affected: yes. Observed: 1 variant allele.
Comment: ANKRD11: BP4

Labcorp Genetics (formerly Invitae), Labcorp
Classification: Uncertain significance for KBG syndrome. Last evaluated: 2024-08-12. Review status: criteria provided, single submitter. Criteria: Invitae Variant Classification Sherloc (09022015). Collection method: clinical testing. Allele origin: germline.
Comment: This sequence change replaces glutamine, which is neutral and polar, with arginine, which is basic and polar, at codon 2144 of the ANKRD11 protein (p.Gln2144Arg). This variant is present in population databases (rs765205440, gnomAD 0.005%). This variant has not been reported in the literature in individuals affected with ANKRD11-related conditions. Advanced modeling of protein sequence and biophysical properties (such as structural, functional, and spatial information, amino acid conservation, physicochemical variation, residue mobility, and thermodynamic stability) performed at Invitae indicates that this missense variant is not expected to disrupt ANKRD11 protein function with a negative predictive value of 95%. In summary, the available evidence is currently insufficient to determine the role of this variant in disease. Therefore, it has been classified as a Variant of Uncertain Significance.

Ambry Genetics
Classification: Likely benign for Inborn genetic diseases. Last evaluated: 2023-02-16. Review status: criteria provided, single submitter. Criteria: Ambry Variant Classification Scheme 2023. Collection method: clinical testing. Allele origin: germline.

NM_013275.6(ANKRD11):c.6431A>G (p.Gln2144Arg)

Gene: ANKRD11 (ankyrin repeat domain 11; minus strand). Cytogenetic location: 16q24.3.
Variant type: single nucleotide variant.
Coding change: c.6431A>G on transcript NM_013275.6 (MANE Select); coding-DNA position 6431, A replaced by G.
Protein change: p.Gln2144Arg; replaces glutamine 2144 with arginine.
Molecular consequence: missense variant.
Genome position (GRCh38, 1-based): chr16:89,280,111, T>C on the plus strand (A>G on the coding strand, the complement: ANKRD11 is on the minus strand). VCF-style: chr16-89280111-T-C. GRCh37 (hg19) VCF-style: chr16-89346519-T-C.
Other names: c.6431A>G, p.Gln2144Arg (NM_001256182.2, NM_001256183.2); short protein forms Q2144R.
Identifiers: ClinVar variation 3122521 (VCV003122521.17), dbSNP rs765205440, ClinGen allele CA8241450.